The following is an entry in ClinVar:

ClinVar aggregate classification (germline): Uncertain significance. Review status: criteria provided, multiple submitters, no conflicts (2 of 4 stars). 2 submissions from 2 submitters: Uncertain significance (2). Last evaluated 2024-10-23.

Conditions:
TRIM8-related disorder. Also called: TRIM8-related condition.

Allele frequency attached by ClinVar (database versions not stated): gnomAD 0.00001; TOPMed 0.00001; ExAC 0.00002; gnomAD exomes 0.00002.
gnomAD v4.1: 26 of 1,612,984 alleles (0.0016%); highest among the groups gnomAD compares: East Asian, 0.0089%; no homozygotes.

Submissions (2):

Labcorp Genetics (formerly Invitae), Labcorp
Classification: Uncertain significance. Last evaluated: 2024-10-23. Review status: criteria provided, single submitter. Criteria: Invitae Variant Classification Sherloc (09022015). Collection method: clinical testing. Allele origin: germline.
Comment: This sequence change replaces arginine, which is basic and polar, with glutamine, which is neutral and polar, at codon 345 of the TRIM8 protein (p.Arg345Gln). This variant is present in population databases (rs757862795, gnomAD 0.003%). This variant has not been reported in the literature in individuals affected with TRIM8-related conditions. ClinVar contains an entry for this variant (Variation ID: 1906011). An algorithm developed to predict the effect of missense changes on protein structure and function (PolyPhen-2) suggests that this variant is likely to be disruptive. In summary, the available evidence is currently insufficient to determine the role of this variant in disease. Therefore, it has been classified as a Variant of Uncertain Significance.

PreventionGenetics, part of Exact Sciences
Classification: Uncertain significance for TRIM8-related condition. Last evaluated: 2023-09-21. Review status: criteria provided, single submitter. Criteria: ACMG Guidelines, 2015. Collection method: clinical testing. Allele origin: germline.
Comment: The TRIM8 c.1034G>A variant is predicted to result in the amino acid substitution p.Arg345Gln. To our knowledge, this variant has not been reported in the literature. This variant is reported in 0.0029% of alleles in individuals of Latino descent in gnomAD. At this time, the clinical significance of this variant is uncertain due to the absence of conclusive functional and genetic evidence.

NM_030912.3(TRIM8):c.1034G>A (p.Arg345Gln)

Gene: TRIM8 (tripartite motif containing 8; plus strand). Cytogenetic location: 10q24.32.
Variant type: single nucleotide variant.
Coding change: c.1034G>A on transcript NM_030912.3 (MANE Select); coding-DNA position 1034, G replaced by A.
Protein change: p.Arg345Gln; replaces arginine 345 with glutamine.
Molecular consequence: missense variant. On other transcripts: non-coding transcript variant (1).
Genome position (GRCh38, 1-based): chr10:102,656,371, G>A. VCF-style: chr10-102656371-G-A. GRCh37 (hg19) VCF-style: chr10-104416128-G-A.
Other names: c.938G>A, p.Arg313Gln (NM_001345950.1); c.1034G>A (NM_030912.2); short protein forms R345Q, R313Q.
Identifiers: ClinVar variation 1906011 (VCV001906011.6), dbSNP rs757862795, ClinGen allele CA5668240.
Genomic context (GRCh38, chr10:102,656,371, plus strand): 5'-TCGGCCACCTGAACTCCAAGCTCTTCCTGAACGAAGTGGCCAAGAAGGAGAAGCAGCTGC[G>A]GAAAATGCTAGAAGGTGAGGGTGGGGTGTTCCGCCGAAGGGAGACAGGGACCTTTGGGGA-3'
Protein context (NP_112174.2, residues 335-355): NEVAKKEKQL[Arg345Gln]KMLEGPFSTP